The following is an entry in ClinVar:

ClinVar aggregate classification (germline): Uncertain significance. Review status: criteria provided, multiple submitters, no conflicts (2 of 4 stars). 2 submissions from 2 submitters: Uncertain significance (2). Last evaluated 2026-01-19.

Conditions:
Epidermolysis bullosa simplex with nail dystrophy (EBS5D). Identifiers: MedGen C4225309, MONDO:0014661, OMIM 616487.
Epidermolysis bullosa simplex 5B, with muscular dystrophy (EBS5B). Also called: EPIDERMOLYSIS BULLOSA SIMPLEX AND LIMB-GIRDLE MUSCULAR DYSTROPHY; Epidermolysis bullosa simplex with muscular dystrophy. Identifiers: Orphanet 257, MedGen C2931072, MONDO:0009181, OMIM 226670.
Epidermolysis bullosa simplex, Ogna type (EBS5A). Also called: Pidermolysis bullosa simplex 5A, Ogna type; EPIDERMOLYSIS BULLOSA SIMPLEX 5A, OGNA TYPE. Identifiers: Orphanet 79401, MedGen C0432317, MONDO:0007555, OMIM 131950.
Autosomal recessive limb-girdle muscular dystrophy type 2Q (LGMDR17). Also called: MUSCULAR DYSTROPHY, LIMB-GIRDLE, AUTOSOMAL RECESSIVE 17. Identifiers: Orphanet 254361, MedGen C3150989, MONDO:0013390, OMIM 613723.
Epidermolysis bullosa simplex 5C, with pyloric atresia (EBS5C). Also called: PLEC-Related Epidermolysis Bullosa with Pyloric Atresia; Epidermolysis bullosa simplex with pyloric atresia; PLEC1-Related Epidermolysis Bullosa with Pyloric Atresia. Identifiers: Orphanet 158684, MedGen C2677349, MONDO:0012807, OMIM 612138.
Inborn genetic diseases. Identifiers: MedGen C0950123, MeSH D030342.

Allele frequency attached by ClinVar (database versions not stated): gnomAD 0.00003; TOPMed 0.00005; 1000 Genomes Project 30x 0.00047.
gnomAD v4.1: 45 of 1,594,638 alleles (0.0028%); highest among the groups gnomAD compares: Middle Eastern, 0.05%; no homozygotes.

Submissions (2):

Labcorp Genetics (formerly Invitae), Labcorp
Classification: Uncertain significance for Autosomal recessive limb-girdle muscular dystrophy type 2Q; Epidermolysis bullosa simplex, Ogna type; Epidermolysis bullosa simplex with nail dystrophy; Epidermolysis bullosa simplex 5C, with pyloric atresia; Epidermolysis bullosa simplex 5B, with muscular dystrophy. Last evaluated: 2026-01-19. Review status: criteria provided, single submitter. Criteria: Invitae Variant Classification Sherloc (09022015). Collection method: clinical testing. Allele origin: germline.
Comment: This sequence change replaces arginine, which is basic and polar, with glutamine, which is neutral and polar, at codon 1906 of the PLEC protein (p.Arg1906Gln). This variant is present in population databases (rs781997724, gnomAD 0.02%). This variant has not been reported in the literature in individuals affected with PLEC-related conditions. ClinVar contains an entry for this variant (Variation ID: 538929). Experimental studies and prediction algorithms are not available or were not evaluated, and the functional significance of this variant is currently unknown. In summary, the available evidence is currently insufficient to determine the role of this variant in disease. Therefore, it has been classified as a Variant of Uncertain Significance.

Ambry Genetics
Classification: Uncertain significance for Inborn genetic diseases. Last evaluated: 2024-04-09. Review status: criteria provided, single submitter. Criteria: Ambry Variant Classification Scheme 2023. Collection method: clinical testing. Allele origin: germline.

NM_201384.3(PLEC):c.5636G>A (p.Arg1879Gln)

Gene: PLEC (plectin; minus strand). Cytogenetic location: 8q24.3.
Variant type: single nucleotide variant.
Coding change: c.5636G>A on transcript NM_201384.3 (MANE Select); coding-DNA position 5636, G replaced by A.
Protein change: p.Arg1879Gln; replaces arginine 1879 with glutamine.
Molecular consequence: missense variant.
Genome position (GRCh38, 1-based): chr8:143,924,293, C>T on the plus strand (G>A on the coding strand, the complement: PLEC is on the minus strand). VCF-style: chr8-143924293-C-T. GRCh37 (hg19) VCF-style: chr8-144998461-C-T.
Other names: c.5717G>A, p.Arg1906Gln (NM_000445.5); c.5594G>A, p.Arg1865Gln (NM_201378.4); c.5570G>A, p.Arg1857Gln (NM_201379.3); c.6047G>A, p.Arg2016Gln (NM_201380.4); c.5540G>A, p.Arg1847Gln (NM_201381.3); c.5636G>A, p.Arg1879Gln (NM_201382.4); c.5648G>A, p.Arg1883Gln (NM_201383.3); c.5717G>A (NM_000445.3); short protein forms R1857Q, R1865Q, R1883Q, R2016Q, R1906Q, R1847Q, R1879Q.
Identifiers: ClinVar variation 538929 (VCV000538929.7), dbSNP rs781997724, ClinGen allele CA4926286.